The following is an entry in ClinVar:

NM_001256627.2(BRSK2):c.702C>A (p.His234Gln)

Gene: BRSK2 (BR serine/threonine kinase 2; plus strand). Cytogenetic location: 11p15.5.
Variant type: single nucleotide variant.
Coding change: c.702C>A on transcript NM_001256627.2 (MANE Select); coding-DNA position 702, C replaced by A.
Protein change: p.His234Gln; replaces histidine 234 with glutamine.
Molecular consequence: missense variant. On other transcripts: non-coding transcript variant (1).
Genome position (GRCh38, 1-based): chr11:1,443,557, C>A. VCF-style: chr11-1443557-C-A. GRCh37 (hg19) VCF-style: chr11-1464787-C-A.
Other names: PEN11B; c.702C>A, p.His234Gln (NM_001256629.2, NM_003957.4); c.840C>A, p.His280Gln (NM_001256630.1); c.522C>A, p.His174Gln (NM_001282218.2); short protein forms H174Q, H234Q, H280Q.
Identifiers: ClinVar variation 981462 (VCV000981462.3), dbSNP rs772319187, ClinGen allele CA5810613.

ClinVar aggregate classification (germline): Uncertain significance (1 of 4 stars; one submission).

Conditions:
Intellectual disability. Also called: intellectual disabilities; Intellectual developmental disorder; Intellectual functioning disability. Identifiers: MedGen C3714756, MeSH D008607, MONDO:0001071, HP:0001249.

Allele frequency attached by ClinVar (database versions not stated): gnomAD exomes below 0.00001; ExAC 0.00001.
gnomAD v4.1: 2 of 1,610,732 alleles (0.00012%); highest among the groups gnomAD compares: Non-Finnish European, 0.00017%; no homozygotes.

Submission:

Institute of Human Genetics, University of Goettingen
Classification: Uncertain significance for Intellectual disability. Last evaluated: 2020-07-23. Review status: criteria provided, single submitter. Criteria: ACMG Guidelines, 2015. Collection method: clinical testing. Allele origin: unknown. Inheritance: Autosomal dominant inheritance. Affected: yes. Observed: 1 heterozygote.
Comment: The BRSK2 variant c.702C>A occurs at a frequency of 0.0004% (gnomAD). The mutation is independently classified as disease causing mutation by four prediction programs. Thus, we consider this variant to be variant of uncertain significance. ACMG criteria used for classification: PM1, PM2, BP4